The following is an entry in ClinVar:

ClinVar aggregate classification (germline): Uncertain significance (1 of 4 stars; one submission).

Conditions:
Inborn genetic diseases. Identifiers: MedGen C0950123, MeSH D030342.

Submission:

Ambry Genetics
Classification: Uncertain significance for Inborn genetic diseases. Last evaluated: 2025-02-05. Review status: criteria provided, single submitter. Criteria: Ambry Variant Classification Scheme 2023. Collection method: clinical testing. Allele origin: germline.
Comment: The p.N1443I variant (also known as c.4328A>T), located in coding exon 1 of the SAMD9 gene, results from an A to T substitution at nucleotide position 4328. The asparagine at codon 1443 is replaced by isoleucine, an amino acid with dissimilar properties. This amino acid position is conserved. In addition, this alteration is predicted to be tolerated by in silico analysis. Based on the available evidence, the clinical significance of this variant remains unclear.

NM_017654.4(SAMD9):c.4328A>T (p.Asn1443Ile)

Gene: SAMD9 (sterile alpha motif domain containing 9; minus strand). Cytogenetic location: 7q21.2.
Variant type: single nucleotide variant.
Coding change: c.4328A>T on transcript NM_017654.4 (MANE Select); coding-DNA position 4328, A replaced by T.
Protein change: p.Asn1443Ile; replaces asparagine 1443 with isoleucine.
Molecular consequence: missense variant.
Genome position (GRCh38, 1-based): chr7:93,101,770, T>A on the plus strand (A>T on the coding strand, the complement: SAMD9 is on the minus strand). VCF-style: chr7-93101770-T-A. GRCh37 (hg19) VCF-style: chr7-92731083-T-A.
Other names: c.4328A>T, p.Asn1443Ile (NM_001193307.2); short protein forms N1443I.
Identifiers: ClinVar variation 3792056 (VCV003792056.1).